The following is an entry in ClinVar:

NM_000338.3(SLC12A1):c.768C>T (p.Phe256=)

Gene: SLC12A1 (solute carrier family 12 member 1; plus strand). Cytogenetic location: 15q21.1.
Variant type: single nucleotide variant.
Coding change: c.768C>T on transcript NM_000338.3 (MANE Select); coding-DNA position 768, C replaced by T.
Protein change: p.Phe256=; no amino-acid change (phenylalanine 256 retained).
Molecular consequence: synonymous variant.
Genome position (GRCh38, 1-based): chr15:48,229,232, C>T. VCF-style: chr15-48229232-C-T. GRCh37 (hg19) VCF-style: chr15-48521429-C-T.
Other names: c.768C>T (NM_000338.2); c.768C>T, p.Phe256= (NM_001184832.2, NM_001384136.1).
Identifiers: ClinVar variation 2981904 (VCV002981904.6), dbSNP rs766025713, ClinGen allele CA7546901.

ClinVar aggregate classification (germline): Likely benign. Review status: criteria provided, multiple submitters, no conflicts (2 of 4 stars). 3 submissions from 3 submitters: Likely benign (2). 1 of the submissions does not count toward it. Last evaluated 2024-10-24.

Conditions:
SLC12A1-related disorder. Also called: SLC12A1-related condition.

Allele frequency attached by ClinVar (database versions not stated): gnomAD 0.00003; TOPMed 0.00003; ExAC 0.00004.
gnomAD v4.1: 53 of 1,593,506 alleles (0.0033%); highest among the groups gnomAD compares: African/African-American, 0.008%; no homozygotes.

Submissions (3):

Blueprint Genetics
Classification: Likely benign. Last evaluated: 2024-10-24. Review status: criteria provided, single submitter. Criteria: ACMG Guidelines, 2015. Collection method: clinical testing. Allele origin: germline.

Labcorp Genetics (formerly Invitae), Labcorp
Classification: Likely benign. Last evaluated: 2023-06-17. Review status: criteria provided, single submitter. Criteria: Invitae Variant Classification Sherloc (09022015). Collection method: clinical testing. Allele origin: germline.

PreventionGenetics, part of Exact Sciences
Classification: Likely benign for SLC12A1-related condition. Last evaluated: 2019-08-01. Review status: no assertion criteria provided. Collection method: clinical testing. Allele origin: germline. Not counted in ClinVar's aggregate classification.
Comment: This variant is classified as likely benign based on ACMG/AMP sequence variant interpretation guidelines (Richards et al. 2015 PMID: 25741868, with internal and published modifications).